The following is an entry in ClinVar:

ClinVar aggregate classification (germline): Uncertain significance (1 of 4 stars; one submission).

Allele frequency attached by ClinVar (database versions not stated): TOPMed 0.00003; gnomAD exomes 0.00004; gnomAD 0.00001; ExAC 0.00002.
gnomAD v4.1: 40 of 1,614,122 alleles (0.0025%); highest among the groups gnomAD compares: Non-Finnish European, 0.00042%; no homozygotes.

Submission:

Labcorp Genetics (formerly Invitae), Labcorp
Classification: Uncertain significance. Last evaluated: 2021-09-24. Review status: criteria provided, single submitter. Criteria: Invitae Variant Classification Sherloc (09022015). Collection method: clinical testing. Allele origin: germline.
Comment: This sequence change replaces glycine with arginine at codon 901 of the LCT protein (p.Gly901Arg). The glycine residue is highly conserved and there is a moderate physicochemical difference between glycine and arginine. This variant is present in population databases (rs776158841, ExAC 0.004%). This variant has not been reported in the literature in individuals with LCT-related conditions. Algorithms developed to predict the effect of missense changes on protein structure and function are either unavailable or do not agree on the potential impact of this missense change (SIFT: "Not Available"; PolyPhen-2: "Probably Damaging"; Align-GVGD: "Not Available"). In summary, the available evidence is currently insufficient to determine the role of this variant in disease. Therefore, it has been classified as a Variant of Uncertain Significance.

NM_002299.4(LCT):c.2701G>A (p.Gly901Arg)

Gene: LCT (lactase; minus strand). Cytogenetic location: 2q21.3.
Variant type: single nucleotide variant.
Coding change: c.2701G>A on transcript NM_002299.4 (MANE Select); coding-DNA position 2701, G replaced by A.
Protein change: p.Gly901Arg; replaces glycine 901 with arginine.
Molecular consequence: missense variant.
Genome position (GRCh38, 1-based): chr2:135,809,646, C>T on the plus strand (G>A on the coding strand, the complement: LCT is on the minus strand). VCF-style: chr2-135809646-C-T. GRCh37 (hg19) VCF-style: chr2-136567216-C-T.
Other names: short protein forms G901R.
Identifiers: ClinVar variation 1448265 (VCV001448265.5), dbSNP rs776158841, ClinGen allele CA1888184.